The following is an entry in ClinVar:

ClinVar aggregate classification (germline): Pathogenic (1 of 4 stars; one submission).

Submission:

Labcorp Genetics (formerly Invitae), Labcorp
Classification: Pathogenic. Last evaluated: 2024-05-22. Review status: criteria provided, single submitter. Criteria: Invitae Variant Classification Sherloc (09022015). Collection method: clinical testing. Allele origin: germline.
Comment: This sequence change creates a premature translational stop signal (p.Gly74Alafs*114) in the NKX6-2 gene. While this is not anticipated to result in nonsense mediated decay, it is expected to disrupt the last 204 amino acid(s) of the NKX6-2 protein. This variant is not present in population databases (gnomAD no frequency). This premature translational stop signal has been observed in individual(s) with clinical features of hypomyelinating leukodystrophy (Invitae). ClinVar contains an entry for this variant (Variation ID: 1369670). This variant disrupts a region of the NKX6-2 protein in which other variant(s) (p.Glu189*) have been determined to be pathogenic (PMID: 28969374). This suggests that this is a clinically significant region of the protein, and that variants that disrupt it are likely to be disease-causing. For these reasons, this variant has been classified as Pathogenic.

Literature cited by the submitters: PubMed 28969374.

NM_177400.3(NKX6-2):c.216del (p.Gly74fs)

Gene: NKX6-2 (NK6 homeobox 2; minus strand). Cytogenetic location: 10q26.3.
Variant type: Deletion.
Coding change: c.216del on transcript NM_177400.3 (MANE Select); coding-DNA position 216, one base deleted (C; older notation c.216delC).
Protein change: p.Gly74fs; shifts the reading frame from glycine 74.
Molecular consequence: frameshift variant.
Genome position (GRCh38, 1-based): chr10:132,785,733, G deleted on the plus strand (C on the coding strand, the reverse complement: NKX6-2 is on the minus strand). VCF-style (leftmost placement, unchanged base first): chr10-132785732-CG-C. GRCh37 (hg19) VCF-style: chr10-134599236-CG-C.
Other names: short protein forms G74fs.
Identifiers: ClinVar variation 1369670 (VCV001369670.6), dbSNP rs2134707034, ClinGen allele CA2573145610.